The following is an entry in ClinVar:

NM_000069.3(CACNA1S):c.2282T>C (p.Leu761Pro)

Gene: CACNA1S (calcium voltage-gated channel subunit alpha1 S; minus strand). Cytogenetic location: 1q32.1.
Variant type: single nucleotide variant.
Coding change: c.2282T>C on transcript NM_000069.3 (MANE Select); coding-DNA position 2282, T replaced by C.
Protein change: p.Leu761Pro; replaces leucine 761 with proline.
Molecular consequence: missense variant.
Genome position (GRCh38, 1-based): chr1:201,070,350, A>G on the plus strand (T>C on the coding strand, the complement: CACNA1S is on the minus strand). VCF-style: chr1-201070350-A-G. GRCh37 (hg19) VCF-style: chr1-201039478-A-G.
Other names: short protein forms L761P.
Identifiers: ClinVar variation 5018070 (VCV005018070.1).

ClinVar aggregate classification (germline): Uncertain significance (1 of 4 stars; one submission).

Submission:

GeneDx
Classification: Uncertain significance. Last evaluated: 2026-04-02. Review status: criteria provided, single submitter. Criteria: GeneDx Variant Classification Process June 2021. Collection method: clinical testing. Allele origin: germline.
Comment: Not observed at significant frequency in large population cohorts (gnomAD); In silico analysis supports that this missense variant has a deleterious effect on protein structure/function; Has not been previously published as pathogenic or benign to our knowledge